The following is an entry in ClinVar:

ClinVar aggregate classification (germline): Pathogenic/Likely pathogenic. Review status: criteria provided, multiple submitters, no conflicts (2 of 4 stars). 5 submissions from 5 submitters: Pathogenic (2); Likely pathogenic (2). 1 of the submissions does not count toward it. Last evaluated 2026-01-28.

Conditions:
Cardiomyopathy, familial hypertrophic, 28. Identifiers: MedGen C5543616, MONDO:0030317, OMIM 619402.
FHOD3-related disorders.

Allele frequency attached by ClinVar (database versions not stated): gnomAD exomes below 0.00001; TOPMed below 0.00001; gnomAD 0.00001.
gnomAD v4.1: 4 of 1,535,718 alleles (0.00026%); highest among the groups gnomAD compares: African/African-American, 0.0055%; no homozygotes.

Submissions (5):

3billion
Classification: Pathogenic for Cardiomyopathy, familial hypertrophic, 28. Last evaluated: 2026-01-28. Review status: criteria provided, single submitter. Criteria: ACMG Guidelines, 2015. Collection method: clinical testing. Allele origin: germline. Affected: yes.
Comment: The variant is observed at an extremely low frequency in the gnomAD v4.1.0 dataset (total allele frequency: <0.001%). Predicted Consequence/Location: The variant is located in a mutational hot spot and/or well-established functional domain in which established pathogenic variants have been reported (PMID: 30442288). The same nucleotide change resulting in the same amino acid change has been previously reported as pathogenic/likely pathogenic with strong evidence (ClinVar ID: VCV001174141 /3billion dataset). The variant has been reported to co-segregate with the disease in at least 7 similarly affected relatives/individuals in at least two unrelated families (PMID: 30442288). Therefore, this variant is classified as Pathogenic according to the recommendation of ACMG/AMP guideline.

Victorian Clinical Genetics Services, Murdoch Childrens Research Institute
Classification: Likely pathogenic for Cardiomyopathy, familial hypertrophic, 28. Last evaluated: 2025-04-04. Review status: criteria provided, single submitter. Criteria: ACMG Guidelines, 2015. Collection method: clinical testing. Allele origin: germline. Affected: yes.
Comment: This variant is classified as Likely pathogenic. Evidence in support of pathogenic classification: Variant is present in gnomAD <0.001 for a dominant condition (v4: 4 heterozygote(s), 0 homozygote(s)); This variant has strong previous evidence of pathogenicity in unrelated individuals. This variant has been classified as likely pathogenic by a clinical laboratory in ClinVar. It has also been reported in the literature in several unrelated families with HCM (PMID: 38938358, 30442288); This variant has strong evidence for segregation with disease. This variant was found to segregate with disease in one large family with HCM (PMID: 30442288); Missense variant predicted to be damaging by in silico tool(s) or highly conserved with a major amino acid change. Additional information: Variant is predicted to result in a missense amino acid change from tyrosine to cysteine; This variant is heterozygous; This gene is associated with autosomal dominant disease; Alternative amino acid change(s) at the same position are present in gnomAD (Highest allele count: v4: 1 heterozygote(s), 0 homozygote(s)); No comparable missense variants have previous evidence for pathogenicity; Variant is not located in an established domain, motif, hotspot or informative constraint region; The mechanism of disease for this gene is not clearly established. However, dominant negative is a suggested mechanism (PMID: 24088304, 35205353); The condition associated with this gene has incomplete penetrance (PMID: 30442288); Inheritance information for this variant is not currently available in this individual.

Blueprint Genetics
Classification: Pathogenic for FHOD3-related disorders. Last evaluated: 2023-01-10. Review status: criteria provided, single submitter. Criteria: ACMG Guidelines, 2015. Collection method: clinical testing. Allele origin: germline. Affected: yes. Observed: 3 variant alleles.

Institute of Human Genetics Munich, TUM University Hospital
Classification: Likely pathogenic for Cardiomyopathy, familial hypertrophic, 28. Last evaluated: 2021-12-22. Review status: criteria provided, single submitter. Criteria: Classification criteria August 2017. Collection method: clinical testing. Allele origin: germline. Inheritance: Autosomal dominant inheritance. Affected: yes. Observed: 1 variant allele.

OMIM
Classification: Pathogenic for CARDIOMYOPATHY, FAMILIAL HYPERTROPHIC, 28. Last evaluated: 2021-06-25. Review status: no assertion criteria provided. Collection method: literature only. Allele origin: germline. Not counted in ClinVar's aggregate classification.

Literature cited by the submitters: PubMed 30442288 (cited by 3 submitters); PubMed 35205353 (cited by Victorian Clinical Genetics Services, Murdoch Childrens Research Institute); PubMed 24088304 (cited by Victorian Clinical Genetics Services, Murdoch Childrens Research Institute); PubMed 38938358 (cited by Victorian Clinical Genetics Services, Murdoch Childrens Research Institute).

NM_001281740.3(FHOD3):c.1583A>G (p.Tyr528Cys)

Gene: FHOD3 (formin homology 2 domain containing 3; plus strand). Cytogenetic location: 18q12.2.
Variant type: single nucleotide variant.
Coding change: c.1583A>G on transcript NM_001281740.3 (MANE Select); coding-DNA position 1583, A replaced by G.
Protein change: p.Tyr528Cys; replaces tyrosine 528 with cysteine.
Molecular consequence: missense variant. On other transcripts: intron variant (2).
Genome position (GRCh38, 1-based): chr18:36,652,866, A>G. VCF-style: chr18-36652866-A-G. GRCh37 (hg19) VCF-style: chr18-34232829-A-G.
Other names: Y528C; c.1197-5209A>G (NM_025135.5, NM_001281739.3).
Identifiers: ClinVar variation 1174141 (VCV001174141.7), dbSNP rs2036159242, ClinGen allele CA402207197.